The following is an entry in ClinVar:

NM_000440.3(PDE6A):c.1631G>A (p.Arg544Gln)

Gene: PDE6A (phosphodiesterase 6A; minus strand). Cytogenetic location: 5q32.
Variant type: single nucleotide variant.
Coding change: c.1631G>A on transcript NM_000440.3 (MANE Select); coding-DNA position 1631, G replaced by A.
Protein change: p.Arg544Gln; replaces arginine 544 with glutamine.
Molecular consequence: missense variant.
Genome position (GRCh38, 1-based): chr5:149,895,280, C>T on the plus strand (G>A on the coding strand, the complement: PDE6A is on the minus strand). VCF-style: chr5-149895280-C-T. GRCh37 (hg19) VCF-style: chr5-149274843-C-T.
Other names: c.1388G>A, p.Arg463Gln (NM_001410788.1); short protein forms R463Q, R544Q.
Identifiers: ClinVar variation 1930229 (VCV001930229.4), dbSNP rs780572803, ClinGen allele CA3504606.

ClinVar aggregate classification (germline): Conflicting classifications of pathogenicity. Review status: criteria provided, conflicting classifications (1 of 4 stars). 3 submissions from 3 submitters: Likely pathogenic (2); Uncertain significance (1). Last evaluated 2026-04-08.

Conditions:
PDE6A-related disorder. Also called: PDE6A-related condition.
Retinitis pigmentosa 43 (RP43). Identifiers: Orphanet 791, MedGen C3151139, MONDO:0013437, OMIM 613810.

Allele frequency attached by ClinVar (database versions not stated): gnomAD 0.00002; TOPMed 0.00003; ExAC 0.00004; gnomAD exomes 0.00004.
gnomAD v4.1: 60 of 1,611,614 alleles (0.0037%); highest among the groups gnomAD compares: Middle Eastern, 0.049%; no homozygotes.

Submissions (3):

Women's Health and Genetics/Laboratory Corporation of America, LabCorp
Classification: Likely pathogenic for Retinitis pigmentosa 43. Last evaluated: 2026-04-08. Review status: criteria provided, single submitter. Criteria: LabCorp Variant Classification Summary - May 2015. Collection method: clinical testing. Allele origin: germline.
Comment: Variant summary: PDE6A c.1631G>A (p.Arg544Gln) results in a conservative amino acid change in the encoded protein sequence. Algorithms developed to predict the effect of missense changes on protein structure and function are either unavailable or do not agree on the potential impact of this missense change. The variant allele was found at a frequency of 4.8e-05 in 251426 control chromosomes. This frequency is not significantly higher than estimated for disease-causing variants in PDE6A, allowing no conclusion about variant significance. c.1631G>A has been observed in individual(s) affected with Retinitis pigmentosa 43. These data indicate that the variant may be associated with disease. A different variant affecting the same codon has been classified as likely pathogenic/pathogenic (c.1630C>T p.Arg544Trp), supporting the critical relevance of codon Arg544 to PDE6A protein function. To our knowledge, no experimental evidence demonstrating an impact on protein function has been reported. The following publications have been ascertained in the context of this evaluation (PMID: 33611760, 38927702). ClinVar contains an entry for this variant (Variation ID: 1930229). Based on the evidence outlined above, the variant was classified as likely pathogenic.

Blueprint Genetics
Classification: Likely pathogenic for PDE6A-related disorders. Last evaluated: 2024-09-18. Review status: criteria provided, single submitter. Criteria: ACMG Guidelines, 2015. Collection method: clinical testing. Allele origin: germline. Affected: yes. Observed: 5 variant alleles.

Labcorp Genetics (formerly Invitae), Labcorp
Classification: Uncertain significance. Last evaluated: 2022-08-06. Review status: criteria provided, single submitter. Criteria: Invitae Variant Classification Sherloc (09022015). Collection method: clinical testing. Allele origin: germline.
Comment: This sequence change replaces arginine, which is basic and polar, with glutamine, which is neutral and polar, at codon 544 of the PDE6A protein (p.Arg544Gln). This variant is present in population databases (rs780572803, gnomAD 0.02%). This variant has not been reported in the literature in individuals affected with PDE6A-related conditions. Algorithms developed to predict the effect of missense changes on protein structure and function are either unavailable or do not agree on the potential impact of this missense change (SIFT: "Tolerated"; PolyPhen-2: "Probably Damaging"; Align-GVGD: "Class C0"). This variant disrupts the p.Arg544 amino acid residue in PDE6A. Other variant(s) that disrupt this residue have been determined to be pathogenic (PMID: 23134348, 28041643; Invitae). This suggests that this residue is clinically significant, and that variants that disrupt this residue are likely to be disease-causing. In summary, the available evidence is currently insufficient to determine the role of this variant in disease. Therefore, it has been classified as a Variant of Uncertain Significance.

Literature cited by the submitters: PubMed 38927702 (cited by Women's Health and Genetics/Laboratory Corporation of America, LabCorp); PubMed 33611760 (cited by Women's Health and Genetics/Laboratory Corporation of America, LabCorp); PubMed 23134348 (cited by Labcorp Genetics (formerly Invitae), Labcorp); PubMed 28041643 (cited by Labcorp Genetics (formerly Invitae), Labcorp).